The following is an entry in ClinVar:

ClinVar aggregate classification (germline): Likely pathogenic (1 of 4 stars; one submission).

Conditions:
TH-deficient dopa-responsive dystonia. Also called: Tyrosine Hydroxylase-Deficient Dopa-Responsive Dystonia; Segawa syndrome, autosomal recessive; DYT-TH. Identifiers: Orphanet 101150, MedGen C2673535, MONDO:0011551, OMIM 605407.

Submission:

Labcorp Genetics (formerly Invitae), Labcorp
Classification: Likely pathogenic for TH-deficient dopa-responsive dystonia. Last evaluated: 2021-02-11. Review status: criteria provided, single submitter. Criteria: Invitae Variant Classification Sherloc (09022015). Collection method: clinical testing. Allele origin: germline.
Comment: In summary, the currently available evidence indicates that the variant is pathogenic, but additional data are needed to prove that conclusively. Therefore, this variant has been classified as Likely Pathogenic. Algorithms developed to predict the effect of sequence changes on RNA splicing suggest that this variant may disrupt the consensus splice site, but this prediction has not been confirmed by published transcriptional studies. This variant has not been reported in the literature in individuals with TH-related conditions. This variant is not present in population databases (ExAC no frequency). This sequence change affects an acceptor splice site in intron 11 of the TH gene. It is expected to disrupt RNA splicing. Variants that disrupt the donor or acceptor splice site typically lead to a loss of protein function (PMID: 16199547), and loss-of-function variants in TH are known to be pathogenic (PMID: 22264700, 24753243).

Literature cited by the submitters: PubMed 16199547; PubMed 22264700; PubMed 24753243.

NM_000360.4(TH):c.1105-1G>T

Gene: TH (tyrosine hydroxylase; minus strand). Cytogenetic location: 11p15.5.
Variant type: single nucleotide variant.
Coding change: c.1105-1G>T on transcript NM_000360.4 (MANE Select); the canonical splice acceptor site of the intron before coding-DNA position 1105, G replaced by T.
Molecular consequence: splice acceptor variant.
Genome position (GRCh38, 1-based): chr11:2,165,764, C>A on the plus strand (G>T on the coding strand, the complement: TH is on the minus strand). VCF-style: chr11-2165764-C-A. GRCh37 (hg19) VCF-style: chr11-2186994-C-A.
Other names: c.1186-1G>T (NM_199293.3); c.1198-1G>T (NM_199292.3).
Identifiers: ClinVar variation 1493028 (VCV001493028.8), dbSNP rs2133690469, ClinGen allele CA379125780.